The following is an entry in ClinVar:

NM_001972.4(ELANE):c.333del (p.Pro111_Val112insTer)

Gene: ELANE (elastase, neutrophil expressed; plus strand). Cytogenetic location: 19p13.3.
Variant type: Deletion.
Coding change: c.333del on transcript NM_001972.4 (MANE Select); coding-DNA position 333, one base deleted (C; older notation c.333delC).
Protein change: p.Pro111_Val112insTer.
Molecular consequence: frameshift variant. On other transcripts: nonsense (1).
Genome position (GRCh38, 1-based): chr19:853,370, C deleted; the last of 4 consecutive C bases (chr19:853,367-853,370); deleting any one gives the same sequence. VCF-style (leftmost placement, unchanged base first): chr19-853366-AC-A. GRCh37 (hg19) VCF-style: chr19-853366-AC-A.
Other names: c.333delC, p.Val112Terfs (NM_001972.2).
Identifiers: ClinVar variation 3340776 (VCV003340776.5).

ClinVar aggregate classification (germline): Conflicting classifications of pathogenicity. Review status: criteria provided, conflicting classifications (1 of 4 stars). 3 submissions from 3 submitters: Likely pathogenic (1); Uncertain significance (2). Last evaluated 2025-09-23.

Conditions:
Neutropenia, severe congenital, 1, autosomal dominant. Identifiers: MedGen C1859966, MONDO:0042490, OMIM 202700.
Cyclical neutropenia. Also called: Cyclic hematopoiesis; Cyclic Neutropenia. Identifiers: Orphanet 2686, MedGen C0221023, MONDO:0008090, OMIM 162800, HP:0040289. Disease mechanism: loss of function.

Submissions (3):

GeneDx
Classification: Uncertain significance. Last evaluated: 2025-09-23. Review status: criteria provided, single submitter. Criteria: GeneDx Variant Classification Process June 2021. Collection method: clinical testing. Allele origin: germline.
Comment: Reported in a patient with severe congenital neutropenia in published literature (PMID: 31321910); Nonsense variant predicted to result in protein truncation or nonsense mediated decay in a gene or region of a gene for which loss of function is not a well-established mechanism of disease; Not observed at significant frequency in large population cohorts (gnomAD); Also known as p.(V83*); This variant is associated with the following publications: (PMID: 31321910)

Labcorp Genetics (formerly Invitae), Labcorp
Classification: Uncertain significance for Neutropenia, severe congenital, 1, autosomal dominant; Cyclical neutropenia. Last evaluated: 2024-05-08. Review status: criteria provided, single submitter. Criteria: Invitae Variant Classification Sherloc (09022015). Collection method: clinical testing. Allele origin: germline.
Comment: This sequence change creates a premature translational stop signal (p.Val112*) in the ELANE gene. It is expected to result in an absent or disrupted protein product. However, the current clinical and genetic evidence is not sufficient to establish whether loss-of-function variants in ELANE cause disease. This variant is present in population databases (no rsID available, gnomAD 0.001%). This premature translational stop signal has been observed in individual(s) with congenital neutropenia (PMID: 31321910). In summary, the available evidence is currently insufficient to determine the role of this variant in disease. Therefore, it has been classified as a Variant of Uncertain Significance.

Clinical Genetics Service, Universitary Hospital 12 de Octubre
Classification: Likely pathogenic for Neutropenia, severe congenital, 1, autosomal dominant. Review status: criteria provided, single submitter. Criteria: ACMG Guidelines, 2015. Collection method: clinical testing. Allele origin: germline. Affected: yes.

Literature cited by the submitters: PubMed 31321910 (cited by Labcorp Genetics (formerly Invitae), Labcorp).